The following is an entry in ClinVar:

NM_016616.5(NME8):c.199-2A>G

Gene: NME8 (NME/NM23 family member 8; plus strand). Cytogenetic location: 7p14.1.
Variant type: single nucleotide variant.
Coding change: c.199-2A>G on transcript NM_016616.5 (MANE Select); the canonical splice acceptor site of the intron before coding-DNA position 199, A replaced by G.
Molecular consequence: splice acceptor variant.
Genome position (GRCh38, 1-based): chr7:37,857,272, A>G. VCF-style: chr7-37857272-A-G. GRCh37 (hg19) VCF-style: chr7-37896874-A-G.
Identifiers: ClinVar variation 4763680 (VCV004763680.1).

ClinVar aggregate classification (germline): Uncertain significance (1 of 4 stars; one submission).

Conditions:
Primary ciliary dyskinesia 6. Also called: Primary Ciliary Dyskinesia 6: TXNDC3-Related Primary Ciliary Dyskinesia. Identifiers: Orphanet 244, MedGen C1970506, MONDO:0012571, OMIM 610852.

gnomAD v4.1: 2 of 1,606,962 alleles (0.00012%); highest among the groups gnomAD compares: Non-Finnish European, 0.00017%; no homozygotes.

Submission:

Labcorp Genetics (formerly Invitae), Labcorp
Classification: Uncertain significance for Primary ciliary dyskinesia 6. Last evaluated: 2025-05-11. Review status: criteria provided, single submitter. Criteria: Invitae Variant Classification Sherloc (09022015). Collection method: clinical testing. Allele origin: germline.
Comment: This sequence change affects an acceptor splice site in intron 5 of the NME8 gene. It is expected to disrupt RNA splicing. Variants that disrupt the donor or acceptor splice site typically lead to a loss of protein function (PMID: 16199547), however the current clinical and genetic evidence is not sufficient to establish whether loss-of-function variants in NME8 cause disease. This variant is not present in population databases (gnomAD no frequency). This variant has not been reported in the literature in individuals affected with NME8-related conditions. Algorithms developed to predict the effect of sequence changes on RNA splicing suggest that this variant may disrupt the consensus splice site. In summary, the available evidence is currently insufficient to determine the role of this variant in disease. Therefore, it has been classified as a Variant of Uncertain Significance.

Literature cited by the submitters: PubMed 16199547.